The following is an entry in ClinVar:

NM_000719.7(CACNA1C):c.6239A>G (p.Asn2080Ser)

Genes: CACNA1C (calcium voltage-gated channel subunit alpha1 C; plus strand), CACNA1C-AS1 (CACNA1C antisense RNA 1; minus strand). Cytogenetic location: 12p13.33.
Variant type: single nucleotide variant.
Coding change: c.6239A>G on transcript NM_000719.7 (MANE Select); coding-DNA position 6239, A replaced by G.
Protein change: p.Asn2080Ser; replaces asparagine 2080 with serine.
Molecular consequence: missense variant.
Genome position (GRCh38, 1-based): chr12:2,691,021, A>G. VCF-style: chr12-2691021-A-G. GRCh37 (hg19) VCF-style: chr12-2800187-A-G.
Other names: c.6383A>G, p.Asn2128Ser (NM_001129827.2); c.6362A>G, p.Asn2121Ser (NM_001129829.2); c.6344A>G, p.Asn2115Ser (NM_001129830.3, NM_001167624.3); c.6323A>G, p.Asn2108Ser (NM_001129831.2); c.6299A>G, p.Asn2100Ser (NM_001129832.2); c.6296A>G, p.Asn2099Ser (NM_001129833.2, NM_001129834.2, NM_001129835.2); c.6290A>G, p.Asn2097Ser (NM_001129836.2); c.6263A>G, p.Asn2088Ser (NM_001129837.2, NM_001129838.2); and 6 more; short protein forms N2115S, N2128S, N2080S, N2088S, N2100S, N2069S, N2086S, N2163S.
Identifiers: ClinVar variation 308164 (VCV000308164.37), dbSNP rs886049209, ClinGen allele CA10641698.

ClinVar aggregate classification (germline): Uncertain significance. Review status: criteria provided, multiple submitters, no conflicts (2 of 4 stars). 3 submissions from 3 submitters: Uncertain significance (3). Last evaluated 2025-11-10.

Conditions:
Long QT syndrome (LQTS). Identifiers: MedGen C0023976, MeSH D008133, MONDO:0002442. Disease mechanism: loss of function. Inheritance: Various modes of inheritance.
Cardiovascular phenotype. Identifiers: MedGen CN230736.

Allele frequency attached by ClinVar (database versions not stated): gnomAD exomes below 0.00001 and 0.00001; TOPMed below 0.00001; gnomAD 0.00003.
gnomAD v4.1: 18 of 1,602,176 alleles (0.0011%); highest among the groups gnomAD compares: Non-Finnish European, 0.0014%; no homozygotes.

Submissions (3):

Labcorp Genetics (formerly Invitae), Labcorp
Classification: Uncertain significance for Long QT syndrome. Last evaluated: 2025-11-10. Review status: criteria provided, single submitter. Criteria: Invitae Variant Classification Sherloc (09022015). Collection method: clinical testing. Allele origin: germline.
Comment: This sequence change replaces asparagine, which is neutral and polar, with serine, which is neutral and polar, at codon 2080 of the CACNA1C protein (p.Asn2080Ser). This variant is present in population databases (no rsID available, gnomAD no frequency). This variant has not been reported in the literature in individuals affected with CACNA1C-related conditions. ClinVar contains an entry for this variant (Variation ID: 308164). Invitae Evidence Modeling of protein sequence and biophysical properties (such as structural, functional, and spatial information, amino acid conservation, physicochemical variation, residue mobility, and thermodynamic stability) indicates that this missense variant is not expected to disrupt CACNA1C protein function with a negative predictive value of 95%. In summary, the available evidence is currently insufficient to determine the role of this variant in disease. Therefore, it has been classified as a Variant of Uncertain Significance.

CeGaT Center for Human Genetics Tuebingen
Classification: Uncertain significance. Last evaluated: 2023-01-01. Review status: criteria provided, single submitter. Criteria: CeGaT Center For Human Genetics Tuebingen Variant Classification Criteria Version 2. Collection method: clinical testing. Allele origin: germline. Affected: yes. Observed: 1 variant allele.

Ambry Genetics
Classification: Uncertain significance for Cardiovascular phenotype. Last evaluated: 2017-11-03. Review status: criteria provided, single submitter. Criteria: Ambry Variant Classification Scheme 2023. Collection method: clinical testing. Allele origin: germline.
Comment: The p.N2080S variant (also known as c.6239A>G), located in coding exon 47 of the CACNA1C gene, results from an A to G substitution at nucleotide position 6239. The asparagine at codon 2080 is replaced by serine, an amino acid with highly similar properties. This amino acid position is not well conserved in available vertebrate species, and serine is the reference amino acid in other vertebrate species. In addition, this alteration is predicted to be tolerated by in silico analysis. Since supporting evidence is limited at this time, the clinical significance of this alteration remains unclear.